The following is an entry in ClinVar:

NM_000083.3(CLCN1):c.592C>G (p.Leu198Val)

Gene: CLCN1 (chloride voltage-gated channel 1; plus strand). Cytogenetic location: 7q34.
Variant type: single nucleotide variant.
Coding change: c.592C>G on transcript NM_000083.3 (MANE Select); coding-DNA position 592, C replaced by G.
Protein change: p.Leu198Val; replaces leucine 198 with valine.
Molecular consequence: missense variant. On other transcripts: non-coding transcript variant (1).
Genome position (GRCh38, 1-based): chr7:143,321,744, C>G. VCF-style: chr7-143321744-C-G. GRCh37 (hg19) VCF-style: chr7-143018837-C-G.
Other names: short protein forms L198V.
Identifiers: ClinVar variation 21046 (VCV000021046.15), dbSNP rs80356685, ClinGen allele CA341549.
Genomic context (GRCh38, chr7:143,321,744, plus strand): 5'-GACCCTGCACATAATCTTTCAACGCTTTTAGGCTCTGGAATCCCCGAAATGAAGACAATA[C>G]TTCGTGGGGTTGTCCTGAAGGAATACCTCACAATGAAAGCCTTTGTGGCCAAGGTTGTCG-3'
Protein context (NP_000074.3, residues 188-208): GSGIPEMKTI[Leu198Val]RGVVLKEYLT

ClinVar aggregate classification (germline): Pathogenic/Likely pathogenic. Review status: criteria provided, multiple submitters, no conflicts (2 of 4 stars). 5 submissions from 5 submitters: Pathogenic (1); Likely pathogenic (4). Last evaluated 2026-07-01.

Conditions:
Congenital myotonia, autosomal recessive form. Also called: BECKER DISEASE; Becker Generalized Myotonia; myotonia congenita, autosomal recessive. Identifiers: Orphanet 614, MedGen C0751360, MONDO:0009715, OMIM 255700.
Congenital myotonia, autosomal dominant form (THD). Also called: THOMSEN DISEASE; Myotonia congenita autosomal dominant. Identifiers: Orphanet 614, MedGen C2936781, MONDO:0008055, OMIM 160800.

Allele frequency attached by ClinVar (database versions not stated): gnomAD exomes 0.00004 and 0.00003; gnomAD 0.00001; ESP Exome Variant Server 0.00015; TOPMed 0.00002; ExAC 0.00003.
gnomAD v4.1: 39 of 1,614,146 alleles (0.0024%); highest among the groups gnomAD compares: Non-Finnish European, 0.0032%; no homozygotes.

Submissions (5):

CeGaT Center for Human Genetics Tuebingen
Classification: Likely pathogenic. Last evaluated: 2026-07-01. Review status: criteria provided, single submitter. Criteria: CeGaT Center For Human Genetics Tuebingen Variant Classification Criteria Version 2. Collection method: clinical testing. Allele origin: germline. Affected: yes. Observed: 1 variant allele.
Comment: CLCN1: PM5, PS4:Moderate, PM2:Supporting, PS3:Supporting

GeneDx
Classification: Likely pathogenic. Last evaluated: 2025-08-13. Review status: criteria provided, single submitter. Criteria: GeneDx Variant Classification Process June 2021. Collection method: clinical testing. Allele origin: germline.
Comment: Observed in an individual with myotonia and was found to be inherited from an unaffected parent (PMID: 15241802); Observed in two families with myotonia and noted to have autosomal dominant inheritance (PMID: 23113340); Reported as a variant of uncertain significance in an individual with myotonia (PMID: 32670189); Published functional studies show that L198V alters channel dynamics and impacts dimerization with wildtype channels, exerting a dominant negative effect on channel gating (PMID: 15241802); Published functional studies show that L198V alters channel dynamics; however, the alteration was described as not significant enough to be considered dominant negative and was classified as having recessive functional features (PMID: 34529042); Not observed at significant frequency in large population cohorts (gnomAD); In silico analysis suggests that this missense variant does not alter protein structure/function; This variant is associated with the following publications: (PMID: 20398785, 15786415, 34529042, 23113340, 32670189, 15241802)

Variantyx, Inc.
Classification: Likely pathogenic for Congenital myotonia, autosomal dominant form. Last evaluated: 2025-03-18. Review status: criteria provided, single submitter. Criteria: Variantyx Assertion Criteria 2022. Collection method: clinical testing. Allele origin: germline. Affected: yes.
Comment: This is a nonsynonymous variant in the CLCN1 gene (OMIM: 118425). Pathogenic variants in this gene have been associated with autosomal dominant myotonia congenita. This variant has been reported in at least 2 affected individual(s) (PMID: 15241802, 32670189) (PS4_Supporting). Functional studies have shown that this variant alters CLCN1 protein function (PMID: 15241802 ) (PS3_Moderate). Alternate amino acid change(s) at this position (p.Leu198Pro) have been previously reported in similarly affected individuals, which suggests that this residue is biologically important (PMID: 15241802 ) (PM5). Multiple computational algorithms predict a deleterious effect for this variant (REVEL score: 0.927) (PP3_Moderate). This variant has a 0.0032% maximum allele frequency in non-founder control populations (PM2_Supporting). Based on the current evidence, this variant is classified as likely pathogenic for autosomal dominant myotonia congenita.Inheritance from an unaffected parent or a parent with unknown affected status has been reported, consistent with incomplete penetrance (PMID: 15241802).

Labcorp Genetics (formerly Invitae), Labcorp
Classification: Pathogenic for Congenital myotonia, autosomal recessive form; Congenital myotonia, autosomal dominant form. Last evaluated: 2024-11-15. Review status: criteria provided, single submitter. Criteria: Invitae Variant Classification Sherloc (09022015). Collection method: clinical testing. Allele origin: germline.
Comment: This sequence change replaces leucine, which is neutral and non-polar, with valine, which is neutral and non-polar, at codon 198 of the CLCN1 protein (p.Leu198Val). This variant is present in population databases (rs80356685, gnomAD 0.008%). This missense change has been observed in individuals with autosomal dominant myotonia congenita (PMID: 15241802, 23113340; internal data). ClinVar contains an entry for this variant (Variation ID: 21046). Invitae Evidence Modeling of protein sequence and biophysical properties (such as structural, functional, and spatial information, amino acid conservation, physicochemical variation, residue mobility, and thermodynamic stability) indicates that this missense variant is expected to disrupt CLCN1 protein function with a positive predictive value of 95%. Experimental studies have shown that this missense change affects CLCN1 function (PMID: 15241802). This variant disrupts the p.Leu198 amino acid residue in CLCN1. Other variant(s) that disrupt this residue have been observed in individuals with CLCN1-related conditions (PMID: 23739125), which suggests that this may be a clinically significant amino acid residue. For these reasons, this variant has been classified as Pathogenic.

Athena Diagnostics
Classification: Likely pathogenic. Last evaluated: 2017-03-23. Review status: criteria provided, single submitter. Criteria: Athena Diagnostics Criteria. Collection method: clinical testing. Allele origin: germline.

Literature cited by the submitters: PubMed 15241802 (cited by Labcorp Genetics (formerly Invitae), Labcorp and Athena Diagnostics); PubMed 23113340 (cited by Labcorp Genetics (formerly Invitae), Labcorp); PubMed 23739125 (cited by Labcorp Genetics (formerly Invitae), Labcorp).